The following is an entry in ClinVar:

NM_018417.6(ADCY10):c.595C>T (p.Arg199Trp)

Genes: ADCY10 (adenylate cyclase 10; minus strand), DCAF6 (DDB1 and CUL4 associated factor 6; plus strand). Cytogenetic location: 1q24.2.
Variant type: single nucleotide variant.
Coding change: c.595C>T on transcript NM_018417.6 (MANE Select); coding-DNA position 595, C replaced by T.
Protein change: p.Arg199Trp; replaces arginine 199 with tryptophan.
Molecular consequence: missense variant.
Genome position (GRCh38, 1-based): chr1:167,899,470, G>A on the plus strand (C>T on the coding strand, the complement: ADCY10 is on the minus strand). VCF-style: chr1-167899470-G-A. GRCh37 (hg19) VCF-style: chr1-167868708-G-A.
Other names: c.136C>T, p.Arg46Trp (NM_001167749.3); c.319C>T, p.Arg107Trp (NM_001297772.2); short protein forms R199W, R46W, R107W.
Identifiers: ClinVar variation 3023936 (VCV003023936.4), dbSNP rs375709824, ClinGen allele CA1228244.
Genomic context (GRCh38, chr1:167,899,470, plus strand): 5'-GCATCACACCCACCTTAACTGCTCTCTGATCTGGAACACTCTCAATTTCAATCATGCTCC[G>A]GTCACAGAGCTGCCAGCAGTTTGGTGACAGAATAACATCATTCATCTGAGCCATGTTCTG-3'
Protein context (NP_060887.2, residues 189-209): LSPNCWQLCD[Arg199Trp]SMIEIESVPD

ClinVar aggregate classification (germline): Uncertain significance. Review status: criteria provided, multiple submitters, no conflicts (2 of 4 stars). 2 submissions from 2 submitters: Uncertain significance (2). Last evaluated 2025-04-10.

Allele frequency attached by ClinVar (database versions not stated): TOPMed 0.00005; gnomAD 0.00006; ExAC 0.00003; ESP Exome Variant Server 0.00015.
gnomAD v4.1: 104 of 1,613,994 alleles (0.0064%); highest among the groups gnomAD compares: African/African-American, 0.0093%; no homozygotes.

Submissions (2):

Labcorp Genetics (formerly Invitae), Labcorp
Classification: Uncertain significance. Last evaluated: 2025-04-10. Review status: criteria provided, single submitter. Criteria: Invitae Variant Classification Sherloc (09022015). Collection method: clinical testing. Allele origin: germline.
Comment: This sequence change replaces arginine, which is basic and polar, with tryptophan, which is neutral and slightly polar, at codon 199 of the ADCY10 protein (p.Arg199Trp). This variant is present in population databases (rs375709824, gnomAD 0.008%). This variant has not been reported in the literature in individuals affected with ADCY10-related conditions. ClinVar contains an entry for this variant (Variation ID: 3023936). An algorithm developed to predict the effect of missense changes on protein structure and function (PolyPhen-2) suggests that this variant is likely to be disruptive. In summary, the available evidence is currently insufficient to determine the role of this variant in disease. Therefore, it has been classified as a Variant of Uncertain Significance.

Women's Health and Genetics/Laboratory Corporation of America, LabCorp
Classification: Uncertain significance. Last evaluated: 2024-11-06. Review status: criteria provided, single submitter. Criteria: LabCorp Variant Classification Summary - May 2015. Collection method: clinical testing. Allele origin: germline.
Comment: Variant summary: ADCY10 c.595C>T (p.Arg199Trp) results in a non-conservative amino acid change located in the cyclase homology domain (IPR001054) of the encoded protein sequence. Three of five in-silico tools predict a damaging effect of the variant on protein function. The variant allele was found at a frequency of 1.6e-05 in 251470 control chromosomes. The available data on variant occurrences in the general population are insufficient to allow any conclusion about variant significance. To our knowledge, no occurrence of c.595C>T in individuals affected with Familial Idiopathic Hypercalciuria and no experimental evidence demonstrating its impact on protein function have been reported. ClinVar contains an entry for this variant (Variation ID: 3023936). Based on the evidence outlined above, the variant was classified as uncertain significance.